The following is an entry in ClinVar:

NM_013435.3(RAX):c.*409G>A

Gene: RAX (retina and anterior neural fold homeobox; minus strand). Cytogenetic location: 18q21.32.
Variant type: single nucleotide variant.
Coding change: c.*409G>A on transcript NM_013435.3 (MANE Select); 409 bases downstream of the stop codon, G replaced by A.
Molecular consequence: 3 prime UTR variant.
Genome position (GRCh38, 1-based): chr18:59,268,595, C>T on the plus strand (G>A on the coding strand, the complement: RAX is on the minus strand). VCF-style: chr18-59268595-C-T. GRCh37 (hg19) VCF-style: chr18-56935827-C-T.
Identifiers: ClinVar variation 889110 (VCV000889110.5), dbSNP rs146184316, ClinGen allele CA300980580.
Genomic context (GRCh38, chr18:59,268,595, plus strand): 5'-CATGTCTTTAATTCTCCTCTCAAATAGTTTGAAACTACTTATACAAAAGTTTCTCAAACT[C>T]TATTTTTCCGCCTCCCCTGCTTCCCTGTTATGGTTATCTGGGGGTCTCCAAGCCTCCTGG-3'

ClinVar aggregate classification (germline): Benign. Review status: criteria provided, multiple submitters, no conflicts (2 of 4 stars). 2 submissions from 2 submitters: Benign (2). Last evaluated 2017-04-27.

Conditions:
Isolated microphthalmia 3 (MCOPS16). Also called: MICROPHTHALMIA, SYNDROMIC 16. Identifiers: Orphanet 2542, MedGen C5774181, MONDO:0012604, OMIM 611038.

Allele frequency attached by ClinVar (database versions not stated): TOPMed 0.00475; gnomAD 0.00532 and 0.00579; 1000 Genomes Project 30x 0.00750; 1000 Genomes Project 0.00799.

Submissions (2):

Illumina Laboratory Services, Illumina
Classification: Benign for Isolated microphthalmia 3. Last evaluated: 2017-04-27. Review status: criteria provided, single submitter. Criteria: ICSL Variant Classification Criteria 13 December 2019. Collection method: clinical testing. Allele origin: germline.
Comment: This variant was observed as part of a predisposition screen in an ostensibly healthy population. A literature search was performed for the gene, cDNA change, and amino acid change (where applicable). No publications were found based on this search. Allele frequency data from public databases was too high to be consistent with this variant causing disease. Therefore, this variant is classified as benign.

Breakthrough Genomics
Classification: Benign. Review status: criteria provided, single submitter. Criteria: ACMG Guidelines, 2015. Collection method: not provided. Allele origin: germline. Inheritance: Autosomal recessive inheritance. Affected: yes.